The following is an entry in ClinVar:

NM_020631.6(PLEKHG5):c.1393-5C>T

Gene: PLEKHG5 (pleckstrin homology and RhoGEF domain containing G5; minus strand). Cytogenetic location: 1p36.31.
Variant type: single nucleotide variant.
Coding change: c.1393-5C>T on transcript NM_020631.6 (MANE Select); 5 bases into the intron before coding-DNA position 1393, C replaced by T.
Molecular consequence: intron variant.
Genome position (GRCh38, 1-based): chr1:6,470,889, G>A on the plus strand (C>T on the coding strand, the complement: PLEKHG5 is on the minus strand). VCF-style: chr1-6470889-G-A. GRCh37 (hg19) VCF-style: chr1-6530949-G-A.
Other names: c.1600-5C>T (NM_001265593.2); c.1393-5C>T (NM_198681.4, NM_001265594.3, NM_001042664.2 and 1 more transcripts); c.1504-5C>T (NM_001042663.3, NM_001265592.2).
Identifiers: ClinVar variation 1080853 (VCV001080853.11), dbSNP rs780578894, ClinGen allele CA561519.
Genomic context (GRCh38, chr1:6,470,889, plus strand): 5'-TTGGCCAGCATGTCGCTCAGCTTCAGCCTCTGGCACTGTGGGTGCTTCTCCGCCCACTGC[G>A]GTGGGGGAGTGGGGGCGGGCTCAGGGCAGGCCCCGCCCCACCCGGCCCCGTCCAGGGTCC-3'

ClinVar aggregate classification (germline): Conflicting classifications of pathogenicity. Review status: criteria provided, conflicting classifications (1 of 4 stars). 2 submissions from 2 submitters: Uncertain significance (1); Likely benign (1). Last evaluated 2026-01-21.

Conditions:
Inborn genetic diseases. Identifiers: MedGen C0950123, MeSH D030342.
Neuronopathy, distal hereditary motor, autosomal recessive 4. Also called: Autosomal recessive lower motor neuron disease with childhood onset; NEUROPATHY, DISTAL HEREDITARY MOTOR, AUTOSOMAL RECESSIVE 4. Identifiers: Orphanet 206580, MedGen C1970211, MONDO:0012608, OMIM 611067.
Charcot-Marie-Tooth disease recessive intermediate C. Also called: CHARCOT-MARIE-TOOTH NEUROPATHY, RECESSIVE INTERMEDIATE C. Identifiers: Orphanet 369867, MedGen C3809309, MONDO:0014154, OMIM 615376.

Allele frequency attached by ClinVar (database versions not stated): gnomAD exomes 0.00004; gnomAD 0.00007 and 0.00008.
gnomAD v4.1: 127 of 1,439,246 alleles (0.0088%); highest among the groups gnomAD compares: Non-Finnish European, 0.011%; no homozygotes.

Submissions (2):

Labcorp Genetics (formerly Invitae), Labcorp
Classification: Likely benign for Neuronopathy, distal hereditary motor, autosomal recessive 4; Charcot-Marie-Tooth disease recessive intermediate C. Last evaluated: 2026-01-21. Review status: criteria provided, single submitter. Criteria: Invitae Variant Classification Sherloc (09022015). Collection method: clinical testing. Allele origin: germline.

Ambry Genetics
Classification: Uncertain significance for Inborn genetic diseases. Last evaluated: 2020-01-18. Review status: criteria provided, single submitter. Criteria: Ambry Variant Classification Scheme 2023. Collection method: clinical testing. Allele origin: germline.
Comment: The c.1393-5C>T intronic variant results from a C to T substitution 5 nucleotides upstream from coding exon 13 in the PLEKHG5 gene. This nucleotide position is poorly conserved in available vertebrate species. Using the BDGP and ESEfinder splice site prediction tools, this alteration is not predicted to have any significant effect on this splice acceptor site; however, direct evidence is unavailable. Since supporting evidence is limited at this time, the clinical significance of this alteration remains unclear.